The following is an entry in ClinVar:

NM_014625.4(NPHS2):c.954C>T (p.Ala318=)

Genes: AXDND1 (axonemal dynein light chain domain containing 1; plus strand), NPHS2 (NPHS2 stomatin family member, podocin; minus strand). Cytogenetic location: 1q25.2.
Variant type: single nucleotide variant.
Coding change: c.954C>T on transcript NM_014625.4 (MANE Select); coding-DNA position 954, C replaced by T.
Protein change: p.Ala318=; no amino-acid change (alanine 318 retained).
Molecular consequence: synonymous variant. On other transcripts: intron variant (1).
Genome position (GRCh38, 1-based): chr1:179,551,371, G>A on the plus strand (C>T on the coding strand, the complement: NPHS2 is on the minus strand). VCF-style: chr1-179551371-G-A. GRCh37 (hg19) VCF-style: chr1-179520506-G-A.
Other names: p.Ala318=; c.750C>T, p.Ala250= (NM_001297575.2); c.3032-3141G>A (NM_144696.6).
Identifiers: ClinVar variation 260432 (VCV000260432.26), dbSNP rs1410592, ClinGen allele CA1267057.
Genomic context (GRCh38, chr1:179,551,371, plus strand): 5'-CACAGTGGAAGGCTTCTCTGTGGACAGAGACTGAAGGGTGTGGAGGTATCGAAGCTGAAC[G>A]GCAGCAGGGGTGCCTGACAGAATCTCAGCTGCCATCCTCAGGGACTCAGAAGCAGCCTTT-3'
Protein context (NP_055440.1, residues 308-328): AAEILSGTPA[Ala318=]VQLRYLHTLQ

ClinVar aggregate classification (germline): Benign. Review status: criteria provided, multiple submitters, no conflicts (2 of 4 stars). 13 submissions from 13 submitters: Benign (10). 3 of the submissions do not count toward it. Last evaluated 2026-02-04.

Conditions:
Nephrotic syndrome, type 2 (NPHS2). Also called: NEPHROTIC SYNDROME, STEROID-RESISTANT, AUTOSOMAL RECESSIVE. Identifiers: Orphanet 656, MedGen C1868672, MONDO:0010974, OMIM 600995.
Steroid-resistant nephrotic syndrome. Identifiers: MedGen C0403397, MONDO:0044765, HP:0012588.

Allele frequency attached by ClinVar (database versions not stated): 1000 Genomes Project 0.58766; 1000 Genomes Project 30x 0.59151; gnomAD 0.61399 and 0.61660; TOPMed 0.61635; ESP Exome Variant Server 0.61718.
gnomAD v4.1: 996,826 of 1,613,796 alleles (62%); highest among the groups gnomAD compares: Admixed American, 66%; 308,950 homozygotes.

Submissions (13):

Labcorp Genetics (formerly Invitae), Labcorp
Classification: Benign. Last evaluated: 2026-02-04. Review status: criteria provided, single submitter. Criteria: Invitae Variant Classification Sherloc (09022015). Collection method: clinical testing. Allele origin: germline.

Blueprint Genetics
Classification: Benign. Last evaluated: 2024-11-26. Review status: criteria provided, single submitter. Criteria: ACMG Guidelines, 2015. Collection method: clinical testing. Allele origin: germline.

Unidad de Genómica Garrahan, Hospital de Pediatría Garrahan
Classification: Benign. Last evaluated: 2024-07-15. Review status: criteria provided, single submitter. Criteria: ACMG Guidelines, 2015. Collection method: clinical testing. Allele origin: germline. Affected: no. Observed: 80 variant alleles.
Comment: This variant is classified as Benign based on local population frequency. This variant was detected in 86% of patients studied in a panel designed for Epileptic and Developmental Encephalopathy and Progressive Myoclonus Epilepsy. Number of patients: 80. Only high quality variants are reported.

Mayo Clinic Laboratories, Mayo Clinic
Classification: Benign. Last evaluated: 2022-03-09. Review status: criteria provided, single submitter. Criteria: ACMG Guidelines, 2015. Collection method: clinical testing. Allele origin: germline. Observed: 135 variant alleles.

Genome-Nilou Lab
Classification: Benign for Nephrotic syndrome, type 2. Last evaluated: 2021-07-08. Review status: criteria provided, single submitter. Criteria: ACMG Guidelines, 2015. Collection method: clinical testing. Allele origin: germline. Affected: no.

GeneDx
Classification: Benign. Last evaluated: 2019-10-18. Review status: criteria provided, single submitter. Criteria: GeneDx Variant Classification Process June 2021. Collection method: clinical testing. Allele origin: germline. Affected: yes.

Illumina Laboratory Services, Illumina
Classification: Benign for Nephrotic syndrome, type 2. Last evaluated: 2018-01-12. Review status: criteria provided, single submitter. Criteria: ICSL Variant Classification Criteria 13 December 2019. Collection method: clinical testing. Allele origin: germline.
Comment: This variant was observed in the ICSL laboratory as part of a predisposition screen in an ostensibly healthy population. It had not been previously curated by ICSL or reported in the Human Gene Mutation Database (HGMD: prior to June 1st, 2018), and was therefore a candidate for classification through an automated scoring system. Utilizing variant allele frequency, disease prevalence and penetrance estimates, and inheritance mode, an automated score was calculated to assess if this variant is too frequent to cause the disease. Based on the score and internal cut-off values, a variant classified as benign is not then subjected to further curation. The score for this variant resulted in a classification of benign for this disease.

Women's Health and Genetics/Laboratory Corporation of America, LabCorp
Classification: Benign. Last evaluated: 2016-07-05. Review status: criteria provided, single submitter. Criteria: LabCorp Variant Classification Summary - May 2015. Collection method: clinical testing. Allele origin: germline.
Comment: Variant summary: The NPHS2 c.954C>T (p.Ala318Ala) variant involves the alteration of a non-conserved nucleotide resulting in a synonymous change. One in silico tool (MutationTaster) predicts a polymorphism outcome for this variant. 5/5 splice prediction tools predict no significant impact on normal splicing, howevere these predictions are yet to be confirmed by the functional studies. This variant was found in 75096/121278 control chromosomes (including 23360 homozygotes) at a frequency of 0.6192055, which is approximately 350 times the estimated maximal expected allele frequency of a pathogenic NPHS2 variant (0.0017678), suggesting this variant is a common benign polymorphism. The variant of interest has also been cited as a polymorphism in published reports (Rachmadi_2015). Taken together, this variant is classified as Benign.

Breakthrough Genomics
Classification: Benign. Review status: criteria provided, single submitter. Criteria: ACMG Guidelines, 2015. Collection method: not provided. Allele origin: germline. Inheritance: Autosomal recessive inheritance. Affected: yes.

PreventionGenetics, part of Exact Sciences
Classification: Benign. Review status: criteria provided, single submitter. Criteria: ACMG Guidelines, 2015. Collection method: clinical testing. Allele origin: germline.

Natera, Inc.
Classification: Benign for Steroid-resistant nephrotic syndrome. Last evaluated: 2020-09-16. Review status: no assertion criteria provided. Collection method: clinical testing. Allele origin: germline. Not counted in ClinVar's aggregate classification.

Genome Diagnostics Laboratory, University Medical Center Utrecht
Classification: Benign. Review status: no assertion criteria provided. Collection method: clinical testing. Allele origin: germline. Affected: yes. Study: VKGL Data-share Consensus. Not counted in ClinVar's aggregate classification.

Joint Genome Diagnostic Labs from Nijmegen and Maastricht, Radboudumc and MUMC+
Classification: Benign. Review status: no assertion criteria provided. Collection method: clinical testing. Allele origin: germline. Affected: yes. Study: VKGL Data-share Consensus. Not counted in ClinVar's aggregate classification.